The following is an entry in ClinVar:

NM_000492.4(CFTR):c.2620-22A>G

Gene: CFTR (CF transmembrane conductance regulator; plus strand). Cytogenetic location: 7q31.2.
Variant type: single nucleotide variant.
Coding change: c.2620-22A>G on transcript NM_000492.4 (MANE Select); 22 bases into the intron before coding-DNA position 2620, A replaced by G.
Molecular consequence: intron variant.
Genome position (GRCh38, 1-based): chr7:117,602,804, A>G. VCF-style: chr7-117602804-A-G. GRCh37 (hg19) VCF-style: chr7-117242858-A-G.
Identifiers: ClinVar variation 2681866 (VCV002681866.3), dbSNP rs146899960, ClinGen allele CA4451247.
Genomic context (GRCh38, chr7:117,602,804, plus strand): 5'-GTGATGTGAATTTAGATGTGGGCATGGGAGGAATAGGTGAAGATGTTAGAAAAAAAATCA[A>G]CTGTGTCTTGTTCCATTCCAGGTGGCTGCTTCTTTGGTTGTGCTGTGGCTCCTTGGAAAG-3'

ClinVar aggregate classification (germline): Uncertain significance. Review status: criteria provided, single submitter (1 of 4 stars). 2 submissions from 2 submitters: Uncertain significance (1). 1 of the submissions does not count toward it. Last evaluated 2023-03-15.

Conditions:
CFTR-related disorder (CFTR-RD). Also called: CFTR-related condition; CFTR-related disorders. Identifiers: MedGen C5924204, MONDO:7770004.

Allele frequency attached by ClinVar (database versions not stated): ExAC 0.00009; TOPMed 0.00014; gnomAD exomes 0.00012; gnomAD 0.00008.
gnomAD v4.1: 194 of 1,612,674 alleles (0.012%); highest among the groups gnomAD compares: Middle Eastern, 0.016%; no homozygotes.

Submissions (2):

Quest Diagnostics Nichols Institute San Juan Capistrano
Classification: Uncertain significance. Last evaluated: 2023-03-15. Review status: criteria provided, single submitter. Criteria: Quest Diagnostics criteria. Collection method: clinical testing. Allele origin: unknown.
Comment: The frequency of this variant in the general population, 0.00018 (23/129168 chromosomes), is uninformative in assessment of its pathogenicity. In the published literature, the variant has been reported in an individual affected with diffuse bronchiectasis (PMID: 7543317 (1995)). Analysis of this variant using software algorithms for the prediction of the effect of nucleotide changes on splicing yielded predictions that this variant does not affect CFTR mRNA splicing . Based on the available information, we are unable to determine the clinical significance of this variant.

PreventionGenetics, part of Exact Sciences
Classification: Likely benign for CFTR-related condition. Last evaluated: 2021-11-19. Review status: no assertion criteria provided. Collection method: clinical testing. Allele origin: germline. Not counted in ClinVar's aggregate classification.
Comment: This variant is classified as likely benign based on ACMG/AMP sequence variant interpretation guidelines (Richards et al. 2015 PMID: 25741868, with internal and published modifications).

Literature cited by the submitters: PubMed 7543317 (cited by Quest Diagnostics Nichols Institute San Juan Capistrano).